The following is an entry in ClinVar:

NM_004493.3(HSD17B10):c.595+41G>A

Gene: HSD17B10 (hydroxysteroid 17-beta dehydrogenase 10; minus strand). Cytogenetic location: Xp11.22.
Variant type: single nucleotide variant.
Coding change: c.595+41G>A on transcript NM_004493.3 (MANE Select); 41 bases into the intron after coding-DNA position 595, G replaced by A.
Molecular consequence: intron variant.
Genome position (GRCh38, 1-based): chrX:53,431,757, C>T on the plus strand (G>A on the coding strand, the complement: HSD17B10 is on the minus strand). VCF-style: chrX-53431757-C-T. GRCh37 (hg19) VCF-style: chrX-53458705-C-T.
Other names: c.568+68G>A (NM_001037811.2).
Identifiers: ClinVar variation 4874215 (VCV004874215.2).

ClinVar aggregate classification (germline): Likely benign (1 of 4 stars; one submission).

Submission:

CeGaT Center for Human Genetics Tuebingen
Classification: Likely benign. Last evaluated: 2026-05-01. Review status: criteria provided, single submitter. Criteria: CeGaT Center For Human Genetics Tuebingen Variant Classification Criteria Version 2. Collection method: clinical testing. Allele origin: germline. Affected: yes. Observed: 1 variant allele.
Comment: HSD17B10: BP4, BP7